The following is an entry in ClinVar:

ClinVar aggregate classification (germline): Uncertain significance (1 of 4 stars; one submission).

Allele frequency attached by ClinVar (database versions not stated): ExAC 0.00001; gnomAD 0.00001; TOPMed 0.00001.
gnomAD v4.1: 4 of 1,613,956 alleles (0.00025%); highest among the groups gnomAD compares: African/African-American, 0.0013%; no homozygotes.

Submission:

Labcorp Genetics (formerly Invitae), Labcorp
Classification: Uncertain significance. Last evaluated: 2024-03-11. Review status: criteria provided, single submitter. Criteria: Invitae Variant Classification Sherloc (09022015). Collection method: clinical testing. Allele origin: germline.
Comment: This sequence change replaces arginine, which is basic and polar, with cysteine, which is neutral and slightly polar, at codon 835 of the KIDINS220 protein (p.Arg835Cys). This variant is present in population databases (rs772740508, gnomAD 0.01%). This variant has not been reported in the literature in individuals affected with KIDINS220-related conditions. ClinVar contains an entry for this variant (Variation ID: 1963223). An algorithm developed to predict the effect of missense changes on protein structure and function (PolyPhen-2) suggests that this variant is likely to be disruptive. In summary, the available evidence is currently insufficient to determine the role of this variant in disease. Therefore, it has been classified as a Variant of Uncertain Significance.

NM_020738.4(KIDINS220):c.2503C>T (p.Arg835Cys)

Gene: KIDINS220 (kinase D interacting substrate 220; minus strand). Cytogenetic location: 2p25.1.
Variant type: single nucleotide variant.
Coding change: c.2503C>T on transcript NM_020738.4 (MANE Select); coding-DNA position 2503, C replaced by T.
Protein change: p.Arg835Cys; replaces arginine 835 with cysteine.
Molecular consequence: missense variant. On other transcripts: non-coding transcript variant (2).
Genome position (GRCh38, 1-based): chr2:8,779,007, G>A on the plus strand (C>T on the coding strand, the complement: KIDINS220 is on the minus strand). VCF-style: chr2-8779007-G-A. GRCh37 (hg19) VCF-style: chr2-8919137-G-A.
Other names: c.2506C>T, p.Arg836Cys (NM_001348729.2, NM_001348731.2, NM_001348734.2 and 3 more transcripts); c.2503C>T, p.Arg835Cys (NM_001348732.2, NM_001348735.2, NM_001348738.2 and 3 more transcripts); c.2377C>T, p.Arg793Cys (NM_001348736.2); short protein forms R793C, R835C, R836C.
Identifiers: ClinVar variation 1963223 (VCV001963223.5), dbSNP rs772740508, ClinGen allele CA1519963.